The following is an entry in ClinVar:

NM_004380.3(CREBBP):c.3223A>G (p.Thr1075Ala)

Gene: CREBBP (CREB binding lysine acetyltransferase; minus strand). Cytogenetic location: 16p13.3.
Variant type: single nucleotide variant.
Coding change: c.3223A>G on transcript NM_004380.3 (MANE Select); coding-DNA position 3223, A replaced by G.
Protein change: p.Thr1075Ala; replaces threonine 1075 with alanine.
Molecular consequence: missense variant.
Genome position (GRCh38, 1-based): chr16:3,767,747, T>C on the plus strand (A>G on the coding strand, the complement: CREBBP is on the minus strand). VCF-style: chr16-3767747-T-C. GRCh37 (hg19) VCF-style: chr16-3817748-T-C.
Other names: c.3223A>G (NM_004380.2); c.3109A>G, p.Thr1037Ala (NM_001079846.1); short protein forms T1037A, T1075A.
Identifiers: ClinVar variation 2181467 (VCV002181467.5), dbSNP rs774615320, ClinGen allele CA7869909.

ClinVar aggregate classification (germline): Likely benign. Review status: criteria provided, single submitter (1 of 4 stars). 2 submissions from 2 submitters: Likely benign (1). 1 of the submissions does not count toward it. Last evaluated 2024-01-22.

Conditions:
CREBBP-related disorder. Also called: CREBBP-related condition; CREBBP-related disorders.
Rubinstein-Taybi syndrome (RSTS). Identifiers: Orphanet 783, MedGen C0035934, MONDO:0019188.

Allele frequency attached by ClinVar (database versions not stated): gnomAD exomes 0.00001; ExAC 0.00002; gnomAD 0.00002; TOPMed 0.00002.
gnomAD v4.1: 16 of 1,614,146 alleles (0.00099%); highest among the groups gnomAD compares: Middle Eastern, 0.016%; no homozygotes.

Submissions (2):

Labcorp Genetics (formerly Invitae), Labcorp
Classification: Likely benign for Rubinstein-Taybi syndrome. Last evaluated: 2024-01-22. Review status: criteria provided, single submitter. Criteria: Invitae Variant Classification Sherloc (09022015). Collection method: clinical testing. Allele origin: germline.

PreventionGenetics, part of Exact Sciences
Classification: Uncertain significance for CREBBP-related condition. Last evaluated: 2024-03-08. Review status: no assertion criteria provided. Collection method: clinical testing. Allele origin: germline. Not counted in ClinVar's aggregate classification.
Comment: The CREBBP c.3223A>G variant is predicted to result in the amino acid substitution p.Thr1075Ala. To our knowledge, this variant has not been reported in the literature. This variant is reported in 0.0033% of alleles in individuals of South Asian descent in gnomAD. At this time, the clinical significance of this variant is uncertain due to the absence of conclusive functional and genetic evidence.